The following is an entry in ClinVar:

ClinVar aggregate classification (germline): Uncertain significance (1 of 4 stars; one submission).

Conditions:
Ataxia-telangiectasia syndrome (AT). Also called: Ataxia telangiectasia (A-T); LOUIS-BAR SYNDROME; Cerebello-oculocutaneous telangiectasia; Immunodeficiency with ataxia telangiectasia; Ataxia-telangiectasia, complementation group D; AT, COMPLEMENTATION GROUP C. Identifiers: Orphanet 100, MedGen C0004135, MONDO:0008840, OMIM 208900.

Submission:

Labcorp Genetics (formerly Invitae), Labcorp
Classification: Uncertain significance for Ataxia-telangiectasia syndrome. Last evaluated: 2022-08-31. Review status: criteria provided, single submitter. Criteria: Invitae Variant Classification Sherloc (09022015). Collection method: clinical testing. Allele origin: germline.
Comment: This sequence change replaces tryptophan, which is neutral and slightly polar, with cysteine, which is neutral and slightly polar, at codon 2104 of the ATM protein (p.Trp2104Cys). In summary, the available evidence is currently insufficient to determine the role of this variant in disease. Therefore, it has been classified as a Variant of Uncertain Significance. Algorithms developed to predict the effect of missense changes on protein structure and function (SIFT, PolyPhen-2, Align-GVGD) all suggest that this variant is likely to be disruptive. This variant has not been reported in the literature in individuals affected with ATM-related conditions. This variant is not present in population databases (gnomAD no frequency).

NM_000051.4(ATM):c.6312G>C (p.Trp2104Cys)

Genes: ATM (ATM serine/threonine kinase; plus strand), C11orf65 (chromosome 11 open reading frame 65; minus strand). Cytogenetic location: 11q22.3.
Variant type: single nucleotide variant.
Coding change: c.6312G>C on transcript NM_000051.4 (MANE Select); coding-DNA position 6312, G replaced by C.
Protein change: p.Trp2104Cys; replaces tryptophan 2104 with cysteine.
Molecular consequence: missense variant. On other transcripts: intron variant (2).
Genome position (GRCh38, 1-based): chr11:108,317,486, G>C. VCF-style: chr11-108317486-G-C. GRCh37 (hg19) VCF-style: chr11-108188213-G-C.
Other names: c.6312G>C, p.Trp2104Cys (NM_001351834.2); c.641-8415C>G (NM_001330368.2); c.*39-8415C>G (NM_001351110.2); short protein forms W2104C.
Identifiers: ClinVar variation 1718518 (VCV001718518.6), dbSNP rs1555114766, ClinGen allele CA382552163.